The following is an entry in ClinVar:

NM_002474.3(MYH11):c.1906G>A (p.Glu636Lys)

Gene: MYH11 (myosin heavy chain 11; minus strand). Cytogenetic location: 16p13.11.
Variant type: single nucleotide variant.
Coding change: c.1906G>A on transcript NM_002474.3 (MANE Select); coding-DNA position 1906, G replaced by A.
Protein change: p.Glu636Lys; replaces glutamic acid 636 with lysine.
Molecular consequence: missense variant.
Genome position (GRCh38, 1-based): chr16:15,750,290, C>T on the plus strand (G>A on the coding strand, the complement: MYH11 is on the minus strand). VCF-style: chr16-15750290-C-T. GRCh37 (hg19) VCF-style: chr16-15844147-C-T.
Other names: c.1927G>A, p.Glu643Lys (NM_001040113.2, NM_001040114.2); c.1906G>A, p.Glu636Lys (NM_022844.3); short protein forms E636K, E643K.
Identifiers: ClinVar variation 3071993 (VCV003071993.1), dbSNP rs2506298103, ClinGen allele CA394869153.

ClinVar aggregate classification (germline): Uncertain significance (1 of 4 stars; one submission).

Conditions:
Familial thoracic aortic aneurysm and aortic dissection (TAAD). Also called: Thoracic aortic aneurysms and dissections. Identifiers: Orphanet 91387, MedGen C4707243, MONDO:0019625.

Allele frequency attached by ClinVar (database versions not stated): gnomAD exomes below 0.00001.
gnomAD v4.1: 5 of 1,613,500 alleles (0.00031%); highest among the groups gnomAD compares: Non-Finnish European, 0.00034%; no homozygotes.

Submission:

All of Us Research Program, National Institutes of Health
Classification: Uncertain significance for Familial thoracic aortic aneurysm and aortic dissection. Last evaluated: 2023-06-26. Review status: criteria provided, single submitter. Criteria: ACMG Guidelines, 2015. Collection method: clinical testing. Allele origin: germline. Inheritance: Autosomal dominant inheritance. Observed: 1 variant allele, 1 heterozygote.
Comment: This missense variant replaces glutamic acid with lysine at codon 643 of the MYH11 protein. Computational prediction suggests that this variant may not impact protein structure and function (internally defined REVEL score threshold <= 0.5, PMID: 27666373). To our knowledge, functional studies have not been reported for this variant. This variant has not been reported in individuals affected with MYH11-related disorders in the literature. This variant has not been identified in the general population by the Genome Aggregation Database (gnomAD). The available evidence is insufficient to determine the role of this variant in disease conclusively. Therefore, this variant is classified as a Variant of Uncertain Significance.

This study involves interpretation of variants in research participants for the purpose of population health screening. Participant phenotype was not available at the time of variant classification. Additional details can be found in publication PMID: 35346344, PMCID: PMC8962531